The following is an entry in ClinVar:

ClinVar aggregate classification (germline): Uncertain significance (1 of 4 stars; one submission).

gnomAD v4.1: 1 of 1,550,318 alleles (0.000065%); highest among the groups gnomAD compares: Non-Finnish European, 0.000087%; no homozygotes.

Submission:

Women's Health and Genetics/Laboratory Corporation of America, LabCorp
Classification: Uncertain significance. Last evaluated: 2025-06-04. Review status: criteria provided, single submitter. Criteria: LabCorp Variant Classification Summary - May 2015. Collection method: clinical testing. Allele origin: germline.
Comment: Variant summary: ZNF469 c.5858G>C (p.Gly1953Ala) results in a non-conservative amino acid change in the encoded protein sequence. Algorithms developed to predict the effect of missense changes on protein structure and function are either unavailable or do not agree on the potential impact of this missense change. The variant allele was found at a frequency of 6.5e-07 in 1543412 control chromosomes in the gnomAD database (v4.1 dataset). The available data on variant occurrences in the general population are insufficient to allow any conclusion about variant significance. To our knowledge, no occurrence of c.5858G>C in individuals affected with Brittle cornea syndrome 1 and no experimental evidence demonstrating its impact on protein function have been reported. No submitters have cited clinical-significance assessments for this variant to ClinVar. Based on the evidence outlined above, the variant was classified as uncertain significance.

NM_001367624.2(ZNF469):c.5858G>C (p.Gly1953Ala)

Gene: ZNF469 (zinc finger protein 469; plus strand). Cytogenetic location: 16q24.2.
Variant type: single nucleotide variant.
Coding change: c.5858G>C on transcript NM_001367624.2 (MANE Select); coding-DNA position 5858, G replaced by C.
Protein change: p.Gly1953Ala; replaces glycine 1953 with alanine.
Molecular consequence: missense variant.
Genome position (GRCh38, 1-based): chr16:88,433,328, G>C. VCF-style: chr16-88433328-G-C. GRCh37 (hg19) VCF-style: chr16-88499736-G-C.
Other names: short protein forms G1953A.
Identifiers: ClinVar variation 3907389 (VCV003907389.1).